The following is an entry in ClinVar:

NM_000092.5(COL4A4):c.3452G>C (p.Gly1151Ala)

Gene: COL4A4 (collagen type IV alpha 4 chain; minus strand). Cytogenetic location: 2q36.3.
Variant type: single nucleotide variant.
Coding change: c.3452G>C on transcript NM_000092.5 (MANE Select); coding-DNA position 3452, G replaced by C.
Protein change: p.Gly1151Ala; replaces glycine 1151 with alanine.
Molecular consequence: missense variant.
Genome position (GRCh38, 1-based): chr2:227,042,201, C>G on the plus strand (G>C on the coding strand, the complement: COL4A4 is on the minus strand). VCF-style: chr2-227042201-C-G. GRCh37 (hg19) VCF-style: chr2-227906917-C-G.
Other names: c.3452G>C (NM_000092.4); short protein forms G1151A.
Identifiers: ClinVar variation 1517277 (VCV001517277.11), dbSNP rs371803356, ClinGen allele CA2144529.

ClinVar aggregate classification (germline): Conflicting classifications of pathogenicity. Review status: criteria provided, conflicting classifications (1 of 4 stars). 6 submissions from 6 submitters: Likely pathogenic (2); Uncertain significance (4). Last evaluated 2026-08-21.

Conditions:
Alport syndrome. Also called: Hemorrhagic familial nephritis; Hemorrhagic hereditary nephritis; Congenital hereditary hematuria. Identifiers: Orphanet 63, MedGen C1567741, MONDO:0018965.
Hematuria. Identifiers: MedGen C0018965, HP:0000790.

Allele frequency attached by ClinVar (database versions not stated): gnomAD exomes 0.00004 and 0.00013; ESP Exome Variant Server 0.00017; gnomAD 0.00001; TOPMed 0.00002; ExAC 0.00004.
gnomAD v4.1: 185 of 1,613,676 alleles (0.011%); highest among the groups gnomAD compares: Non-Finnish European, 0.016%; no homozygotes.

Submissions (6):

Genetics Laboratory, Great Ormond Street Hospital NHS Foundation Trust, North Thames Genomic Laboratory Hub
Classification: Likely pathogenic for Haematuria. Last evaluated: 2026-08-21. Review status: criteria provided, single submitter. Criteria: ACGS Best Practice Guidelines for Variant Classification in Rare Disease 2024 v1.2. Collection method: clinical testing. Allele origin: germline. Affected: yes.
Comment: PS4_supporting, PM2_supporting, PP3_supporting, PM1_strong

Labcorp Genetics (formerly Invitae), Labcorp
Classification: Uncertain significance. Last evaluated: 2025-04-16. Review status: criteria provided, single submitter. Criteria: Invitae Variant Classification Sherloc (09022015). Collection method: clinical testing. Allele origin: germline.
Comment: This sequence change replaces glycine, which is neutral and non-polar, with alanine, which is neutral and non-polar, at codon 1151 of the COL4A4 protein (p.Gly1151Ala). This variant is present in population databases (rs371803356, gnomAD 0.009%). This missense change has been observed in individual(s) with clinical features of COL4A4-related conditions (PMID: 25575550). ClinVar contains an entry for this variant (Variation ID: 1517277). Invitae Evidence Modeling of protein sequence and biophysical properties (such as structural, functional, and spatial information, amino acid conservation, physicochemical variation, residue mobility, and thermodynamic stability) indicates that this missense variant is expected to disrupt COL4A4 protein function with a positive predictive value of 95%. In summary, the available evidence is currently insufficient to determine the role of this variant in disease. Therefore, it has been classified as a Variant of Uncertain Significance.

GeneDx
Classification: Uncertain significance. Last evaluated: 2024-01-20. Review status: criteria provided, single submitter. Criteria: GeneDx Variant Classification Process June 2021. Collection method: clinical testing. Allele origin: germline. Affected: yes.
Comment: Identified in a patient with Alport syndrome (PMID: 25575550); In silico analysis supports that this missense variant has a deleterious effect on protein structure/function; This variant is associated with the following publications: (PMID: 25575550)

Revvity Omics, Revvity
Classification: Likely pathogenic. Last evaluated: 2023-02-21. Review status: criteria provided, single submitter. Criteria: ACMG Guidelines, 2015. Collection method: clinical testing. Allele origin: germline.

Department of Pathology and Laboratory Medicine, Sinai Health System
Classification: Uncertain significance for Alport syndrome. Last evaluated: 2022-11-01. Review status: criteria provided, single submitter. Criteria: ACMG Guidelines, 2015. Collection method: research. Allele origin: germline.

Blueprint Genetics
Classification: Uncertain significance. Last evaluated: 2022-10-04. Review status: criteria provided, single submitter. Criteria: ACMG Guidelines, 2015. Collection method: clinical testing. Allele origin: germline.

Literature cited by the submitters: PubMed 25575550 (cited by Labcorp Genetics (formerly Invitae), Labcorp).